The following is an entry in ClinVar:

NM_001077365.2(POMT1):c.1083-180G>A

Gene: POMT1 (protein O-mannosyltransferase 1; plus strand). Cytogenetic location: 9q34.13.
Variant type: single nucleotide variant.
Coding change: c.1083-180G>A on transcript NM_001077365.2 (MANE Select); 180 bases into the intron before coding-DNA position 1083, G replaced by A.
Molecular consequence: intron variant.
Genome position (GRCh38, 1-based): chr9:131,513,059, G>A. VCF-style: chr9-131513059-G-A. GRCh37 (hg19) VCF-style: chr9-134388446-G-A.
Other names: c.987-180G>A (NM_001353198.2, NM_001353197.2); c.1149-180G>A (NM_001353193.2, NM_007171.4); c.1083-180G>A (NM_001136113.2, NM_001374690.1); c.921-180G>A (NM_001353194.2, NM_001077366.2); c.732-180G>A (NM_001374691.1, NM_001353195.2, NM_001374692.1 and 1 more transcripts); c.993-180G>A (NM_001353196.2); c.693-180G>A (NM_001374695.1); c.1071-180G>A (NM_001374689.1); and 3 more.
Identifiers: ClinVar variation 668006 (VCV000668006.2), dbSNP rs7865761, ClinGen allele CA13040144.

ClinVar aggregate classification (germline): Benign. Review status: criteria provided, multiple submitters, no conflicts (2 of 4 stars). 2 submissions from 2 submitters: Benign (2). Last evaluated 2018-06-14.

Allele frequency attached by ClinVar (database versions not stated): 1000 Genomes Project 30x 0.86696; TOPMed 0.86891; 1000 Genomes Project 0.87081; gnomAD 0.88274 and 0.88717.
gnomAD v4.1: 135,079 of 152,222 alleles (89%); highest among the groups gnomAD compares: South Asian, 97%; 60,645 homozygotes.

Submissions (2):

GeneDx
Classification: Benign. Last evaluated: 2018-06-14. Review status: criteria provided, single submitter. Criteria: GeneDx Variant Classification (06012015). Collection method: clinical testing. Allele origin: germline. Affected: yes.
Comment: This variant is considered likely benign or benign based on one or more of the following criteria: it is a conservative change, it occurs at a poorly conserved position in the protein, it is predicted to be benign by multiple in silico algorithms, and/or has population frequency not consistent with disease.

Breakthrough Genomics
Classification: Benign. Review status: criteria provided, single submitter. Criteria: ACMG Guidelines, 2015. Collection method: not provided. Allele origin: germline. Inheritance: Autosomal recessive inheritance. Affected: yes.